The following is an entry in ClinVar:

ClinVar aggregate classification (germline): Uncertain significance (1 of 4 stars; one submission).

Submission:

Labcorp Genetics (formerly Invitae), Labcorp
Classification: Uncertain significance. Last evaluated: 2025-05-21. Review status: criteria provided, single submitter. Criteria: Invitae Variant Classification Sherloc (09022015). Collection method: clinical testing. Allele origin: germline.
Comment: This sequence change replaces serine, which is neutral and polar, with alanine, which is neutral and non-polar, at codon 6 of the GPR88 protein (p.Ser6Ala). This variant is not present in population databases (gnomAD no frequency). This variant has not been reported in the literature in individuals affected with GPR88-related conditions. Experimental studies and prediction algorithms are not available or were not evaluated, and the functional significance of this variant is currently unknown. In summary, the available evidence is currently insufficient to determine the role of this variant in disease. Therefore, it has been classified as a Variant of Uncertain Significance.

NM_022049.3(GPR88):c.16T>G (p.Ser6Ala)

Gene: GPR88 (G protein-coupled receptor 88; plus strand). Cytogenetic location: 1p21.2.
Variant type: single nucleotide variant.
Coding change: c.16T>G on transcript NM_022049.3 (MANE Select); coding-DNA position 16, T replaced by G.
Protein change: p.Ser6Ala; replaces serine 6 with alanine.
Molecular consequence: missense variant.
Genome position (GRCh38, 1-based): chr1:100,538,982, T>G. VCF-style: chr1-100538982-T-G. GRCh37 (hg19) VCF-style: chr1-101004538-T-G.
Other names: short protein forms S6A.
Identifiers: ClinVar variation 4719499 (VCV004719499.1).